The following is an entry in ClinVar:

NM_001710.6(CFB):c.427C>T (p.Arg143Cys)

Gene: CFB (complement factor B; plus strand). Cytogenetic location: 6p21.33.
Variant type: single nucleotide variant.
Coding change: c.427C>T on transcript NM_001710.6 (MANE Select); coding-DNA position 427, C replaced by T.
Protein change: p.Arg143Cys; replaces arginine 143 with cysteine.
Molecular consequence: missense variant.
Genome position (GRCh38, 1-based): chr6:31,947,135, C>T. VCF-style: chr6-31947135-C-T. GRCh37 (hg19) VCF-style: chr6-31914912-C-T.
Other names: short protein forms R143C.
Identifiers: ClinVar variation 829882 (VCV000829882.9), dbSNP rs1242945827, ClinGen allele CA363391338.

ClinVar aggregate classification (germline): Uncertain significance. Review status: criteria provided, single submitter (1 of 4 stars). 2 submissions from 2 submitters: Uncertain significance (1). 1 of the submissions does not count toward it. Last evaluated 2021-04-27.

Conditions:
Atypical hemolytic-uremic syndrome with B factor anomaly. Also called: HEMOLYTIC UREMIC SYNDROME, ATYPICAL, SUSCEPTIBILITY TO, 4; AHUS, SUSCEPTIBILITY TO, 4. Identifiers: Orphanet 2134, MedGen C2752038, MONDO:0013042, OMIM 612924.

Allele frequency attached by ClinVar (database versions not stated): gnomAD exomes below 0.00001; gnomAD 0.00001.
gnomAD v4.1: 6 of 1,612,870 alleles (0.00037%); highest among the groups gnomAD compares: East Asian, 0.0022%; no homozygotes.

Submissions (2):

Labcorp Genetics (formerly Invitae), Labcorp
Classification: Uncertain significance. Last evaluated: 2021-04-27. Review status: criteria provided, single submitter. Criteria: Invitae Variant Classification Sherloc (09022015). Collection method: clinical testing. Allele origin: germline.
Comment: Algorithms developed to predict the effect of missense changes on protein structure and function are either unavailable or do not agree on the potential impact of this missense change (SIFT: "Deleterious"; PolyPhen-2: "Probably Damaging"; Align-GVGD: "Class C0"). This sequence change replaces arginine with cysteine at codon 143 of the CFB protein (p.Arg143Cys). The arginine residue is highly conserved and there is a large physicochemical difference between arginine and cysteine. This variant is not present in population databases (ExAC no frequency). This variant has not been reported in the literature in individuals with CFB-related conditions. ClinVar contains an entry for this variant (Variation ID: 829882). In summary, the available evidence is currently insufficient to determine the role of this variant in disease. Therefore, it has been classified as a Variant of Uncertain Significance.

Bioscientia Institut fuer Medizinische Diagnostik GmbH, Sonic Healthcare
Classification: Uncertain significance for Atypical hemolytic-uremic syndrome with B factor anomaly. Last evaluated: 2019-08-13. Review status: no assertion criteria provided. Collection method: clinical testing. Allele origin: germline. Affected: yes. Not counted in ClinVar's aggregate classification.